The following is an entry in ClinVar:

ClinVar aggregate classification (germline): Uncertain significance (1 of 4 stars; one submission).

Conditions:
Inborn genetic diseases. Identifiers: MedGen C0950123, MeSH D030342.

Allele frequency attached by ClinVar (database versions not stated): gnomAD exomes below 0.00001.
gnomAD v4.1: 7 of 1,614,096 alleles (0.00043%); highest among the groups gnomAD compares: Non-Finnish European, 0.00051%; no homozygotes.

Submission:

Ambry Genetics
Classification: Uncertain significance for Inborn genetic diseases. Last evaluated: 2024-11-05. Review status: criteria provided, single submitter. Criteria: Ambry Variant Classification Scheme 2023. Collection method: clinical testing. Allele origin: germline.
Comment: The p.S1875R variant (also known as c.5625T>A), located in coding exon 33 of the ATR gene, results from a T to A substitution at nucleotide position 5625. The serine at codon 1875 is replaced by arginine, an amino acid with dissimilar properties. This amino acid position is conserved. In addition, this alteration is predicted to be tolerated by in silico analysis. Since supporting evidence is limited at this time, the clinical significance of this alteration remains unclear.

NM_001184.4(ATR):c.5625T>A (p.Ser1875Arg)

Gene: ATR (ATR checkpoint kinase; minus strand). Cytogenetic location: 3q23.
Variant type: single nucleotide variant.
Coding change: c.5625T>A on transcript NM_001184.4 (MANE Select); coding-DNA position 5625, T replaced by A.
Protein change: p.Ser1875Arg; replaces serine 1875 with arginine.
Molecular consequence: missense variant.
Genome position (GRCh38, 1-based): chr3:142,497,126, A>T on the plus strand (T>A on the coding strand, the complement: ATR is on the minus strand). VCF-style: chr3-142497126-A-T. GRCh37 (hg19) VCF-style: chr3-142215968-A-T.
Other names: c.5433T>A, p.Ser1811Arg (NM_001354579.2); short protein forms S1811R, S1875R.
Identifiers: ClinVar variation 1748717 (VCV001748717.3), dbSNP rs2108336419, ClinGen allele CA354814825.